The following is an entry in ClinVar:

NM_000179.3(MSH6):c.3983A>C (p.Gln1328Pro)

Gene: MSH6 (mutS homolog 6; plus strand). Cytogenetic location: 2p16.3.
Variant type: single nucleotide variant.
Coding change: c.3983A>C on transcript NM_000179.3 (MANE Select); coding-DNA position 3983, A replaced by C.
Protein change: p.Gln1328Pro; replaces glutamine 1328 with proline.
Molecular consequence: missense variant.
Genome position (GRCh38, 1-based): chr2:47,806,633, A>C. VCF-style: chr2-47806633-A-C. GRCh37 (hg19) VCF-style: chr2-48033772-A-C.
Other names: c.3593A>C, p.Gln1198Pro (NM_001281492.2); c.3077A>C, p.Gln1026Pro (NM_001281493.2, NM_001281494.2); short protein forms Q1328P, Q1026P, Q1198P.
Identifiers: ClinVar variation 455313 (VCV000455313.8), dbSNP rs587779940, ClinGen allele CA346761582.
Genomic context (GRCh38, chr2:47,806,633, plus strand): 5'-TCCCAGAGGAAGTTATTCAAAAGGGACATAGAAAAGCAAGAGAATTTGAGAAGATGAATC[A>C]GTCACTACGATTATTTCGGTAACTAACTAACTATAATGGAATTATAACTAACTGACCTTA-3'
Protein context (NP_000170.1, residues 1318-1338): RKAREFEKMN[Gln1328Pro]SLRLFREVCL

ClinVar aggregate classification (germline): Uncertain significance. Review status: criteria provided, multiple submitters, no conflicts (2 of 4 stars). 2 submissions from 2 submitters: Uncertain significance (2). Last evaluated 2026-02-28.

Conditions:
Hereditary nonpolyposis colorectal neoplasms. Identifiers: MedGen C0009405, MeSH D003123.
Hereditary cancer-predisposing syndrome. Also called: Neoplastic Syndromes, Hereditary; Tumor predisposition; Hereditary neoplastic syndrome; Hereditary Cancer Syndrome. Identifiers: Orphanet 140162, MedGen C0027672, MeSH D009386, MONDO:0015356.

Submissions (2):

Ambry Genetics
Classification: Uncertain significance for Hereditary cancer-predisposing syndrome. Last evaluated: 2026-02-28. Review status: criteria provided, single submitter. Criteria: Ambry Variant Classification Scheme 2023. Collection method: clinical testing. Allele origin: germline.
Comment: The p.Q1328P variant (also known as c.3983A>C), located in coding exon 9 of the MSH6 gene, results from an A to C substitution at nucleotide position 3983. The glutamine at codon 1328 is replaced by proline, an amino acid with similar properties. This amino acid position is conserved. In addition, the in silico prediction for this alteration is inconclusive. Based on the available evidence, the clinical significance of this variant remains unclear.

Labcorp Genetics (formerly Invitae), Labcorp
Classification: Uncertain significance for Hereditary nonpolyposis colorectal neoplasms. Last evaluated: 2022-06-29. Review status: criteria provided, single submitter. Criteria: Invitae Variant Classification Sherloc (09022015). Collection method: clinical testing. Allele origin: germline.
Comment: In summary, the available evidence is currently insufficient to determine the role of this variant in disease. Therefore, it has been classified as a Variant of Uncertain Significance. Advanced modeling of protein sequence and biophysical properties (such as structural, functional, and spatial information, amino acid conservation, physicochemical variation, residue mobility, and thermodynamic stability) performed at Invitae indicates that this missense variant is not expected to disrupt MSH6 protein function. ClinVar contains an entry for this variant (Variation ID: 455313). This variant has not been reported in the literature in individuals affected with MSH6-related conditions. This variant is not present in population databases (gnomAD no frequency). This sequence change replaces glutamine, which is neutral and polar, with proline, which is neutral and non-polar, at codon 1328 of the MSH6 protein (p.Gln1328Pro).